The following is an entry in ClinVar:

NM_000088.4(COL1A1):c.4319T>C (p.Ile1440Thr)

Gene: COL1A1 (collagen type I alpha 1 chain; minus strand). Cytogenetic location: 17q21.33.
Variant type: single nucleotide variant.
Coding change: c.4319T>C on transcript NM_000088.4 (MANE Select); coding-DNA position 4319, T replaced by C.
Protein change: p.Ile1440Thr; replaces isoleucine 1440 with threonine.
Molecular consequence: missense variant.
Genome position (GRCh38, 1-based): chr17:50,185,578, A>G on the plus strand (T>C on the coding strand, the complement: COL1A1 is on the minus strand). VCF-style: chr17-50185578-A-G. GRCh37 (hg19) VCF-style: chr17-48262939-A-G.
Other names: short protein forms I1440T.
Identifiers: ClinVar variation 1515965 (VCV001515965.5), dbSNP rs757911214, ClinGen allele CA400190427.
Genomic context (GRCh38, chr17:50,185,578, plus strand): 5'-GGGCCAACGTCGAAGCCGAATTCCTGGTCTGGGGCACCAACGTCCAAGGGGGCCACATCG[A>G]TGATGGGCAGGCGGGAGGTCTTGGTGGTTTTGTATTCAATCACTGTCTTGCCCCAGGCTC-3'
Protein context (NP_000079.2, residues 1430-1450): KTTKTSRLPI[Ile1440Thr]DVAPLDVGAP

ClinVar aggregate classification (germline): Uncertain significance (1 of 4 stars; one submission).

Conditions:
Osteogenesis imperfecta type I (OI1). Also called: Lobstein disease; Osteogenesis imperfecta type 1; Lobstein's Disease; Classic Non-deforming Osteogenesis Imperfecta with Blue Sclerae; OI, TYPE I; OSTEOGENESIS IMPERFECTA TARDA. Identifiers: Orphanet 216796, Orphanet 666, MedGen C0023931, MONDO:0008146, OMIM 166200. Disease mechanism: loss of function.

Allele frequency attached by ClinVar (database versions not stated): gnomAD exomes below 0.00001; gnomAD 0.00001; TOPMed 0.00002.
gnomAD v4.1: 3 of 1,613,478 alleles (0.00019%); highest among the groups gnomAD compares: Admixed American, 0.005%; no homozygotes.

Submission:

Labcorp Genetics (formerly Invitae), Labcorp
Classification: Uncertain significance for Osteogenesis imperfecta type I. Last evaluated: 2022-07-17. Review status: criteria provided, single submitter. Criteria: Invitae Variant Classification Sherloc (09022015). Collection method: clinical testing. Allele origin: germline.
Comment: This sequence change replaces isoleucine, which is neutral and non-polar, with threonine, which is neutral and polar, at codon 1440 of the COL1A1 protein (p.Ile1440Thr). This variant is not present in population databases (gnomAD no frequency). This variant has not been reported in the literature in individuals affected with COL1A1-related conditions. ClinVar contains an entry for this variant (Variation ID: 1515965). Advanced modeling of protein sequence and biophysical properties (such as structural, functional, and spatial information, amino acid conservation, physicochemical variation, residue mobility, and thermodynamic stability) performed at Invitae indicates that this missense variant is not expected to disrupt COL1A1 protein function. In summary, the available evidence is currently insufficient to determine the role of this variant in disease. Therefore, it has been classified as a Variant of Uncertain Significance.